The following is an entry in ClinVar:

NM_022124.6(CDH23):c.2842G>T (p.Val948Phe)

Gene: CDH23 (cadherin related 23; plus strand). Cytogenetic location: 10q22.1.
Variant type: single nucleotide variant.
Coding change: c.2842G>T on transcript NM_022124.6 (MANE Select); coding-DNA position 2842, G replaced by T.
Protein change: p.Val948Phe; replaces valine 948 with phenylalanine.
Molecular consequence: missense variant.
Genome position (GRCh38, 1-based): chr10:71,705,019, G>T. VCF-style: chr10-71705019-G-T. GRCh37 (hg19) VCF-style: chr10-73464776-G-T.
Other names: c.2842G>T, p.Val948Phe (NM_001171930.2, NM_001171931.2); short protein forms V948F.
Identifiers: ClinVar variation 1490908 (VCV001490908.7), dbSNP rs2132740122, ClinGen allele CA377139666.

ClinVar aggregate classification (germline): Uncertain significance. Review status: criteria provided, multiple submitters, no conflicts (2 of 4 stars). 3 submissions from 3 submitters: Uncertain significance (3). Last evaluated 2022-06-22.

Conditions:
Pituitary adenoma 5, multiple types. Identifiers: MedGen C4539685, MONDO:0054601, OMIM 617540.
Usher syndrome type 1D (USH1D). Also called: USHER SYNDROME, TYPE ID. Identifiers: Orphanet 231169, Orphanet 886, MedGen C1832845, MONDO:0010984, OMIM 601067.
Autosomal recessive nonsyndromic hearing loss 12. Also called: DEAFNESS, AUTOSOMAL RECESSIVE 12. Identifiers: Orphanet 90636, MedGen C1832394, MONDO:0011067, OMIM 601386.
Inborn genetic diseases. Identifiers: MedGen C0950123, MeSH D030342.

Allele frequency attached by ClinVar (database versions not stated): gnomAD exomes 0.00001.
gnomAD v4.1: 7 of 1,612,766 alleles (0.00043%); highest among the groups gnomAD compares: Non-Finnish European, 0.00059%; no homozygotes.

Submissions (3):

Ambry Genetics
Classification: Uncertain significance for Inborn genetic diseases. Last evaluated: 2022-06-22. Review status: criteria provided, single submitter. Criteria: Ambry Variant Classification Scheme 2023. Collection method: clinical testing. Allele origin: germline.

Labcorp Genetics (formerly Invitae), Labcorp
Classification: Uncertain significance. Last evaluated: 2021-10-14. Review status: criteria provided, single submitter. Criteria: Invitae Variant Classification Sherloc (09022015). Collection method: clinical testing. Allele origin: germline.
Comment: This sequence change replaces valine with phenylalanine at codon 948 of the CDH23 protein (p.Val948Phe). The valine residue is moderately conserved and there is a small physicochemical difference between valine and phenylalanine. This variant is not present in population databases (ExAC no frequency). This variant has not been reported in the literature in individuals affected with CDH23-related conditions. Algorithms developed to predict the effect of missense changes on protein structure and function are either unavailable or do not agree on the potential impact of this missense change (SIFT: "Deleterious"; PolyPhen-2: "Not Available"; Align-GVGD: "Class C0"). In summary, the available evidence is currently insufficient to determine the role of this variant in disease. Therefore, it has been classified as a Variant of Uncertain Significance.

Fulgent Genetics
Classification: Uncertain significance for Usher syndrome type 1D; Autosomal recessive nonsyndromic hearing loss 12; Pituitary adenoma 5, multiple types. Last evaluated: 2021-07-12. Review status: criteria provided, single submitter. Criteria: ACMG Guidelines, 2015. Collection method: clinical testing. Allele origin: unknown.